The following is an entry in ClinVar:

ClinVar aggregate classification (germline): Uncertain significance. Review status: criteria provided, multiple submitters, no conflicts (2 of 4 stars). 2 submissions from 2 submitters: Uncertain significance (2). Last evaluated 2025-01-26.

Conditions:
Inborn genetic diseases. Identifiers: MedGen C0950123, MeSH D030342.

gnomAD v4.1: 4 of 1,613,026 alleles (0.00025%); highest among the groups gnomAD compares: Admixed American, 0.0067%; no homozygotes.

Submissions (2):

Ambry Genetics
Classification: Uncertain significance for Inborn genetic diseases. Last evaluated: 2025-01-26. Review status: criteria provided, single submitter. Criteria: Ambry Variant Classification Scheme 2023. Collection method: clinical testing. Allele origin: germline.
Comment: The p.V617I variant (also known as c.1849G>A), located in coding exon 16 of the KDM1A gene, results from a G to A substitution at nucleotide position 1849. The valine at codon 617 is replaced by isoleucine, an amino acid with highly similar properties. This amino acid position is conserved. In addition, this alteration is predicted to be tolerated by in silico analysis. Based on the available evidence, the clinical significance of this variant remains unclear.

Labcorp Genetics (formerly Invitae), Labcorp
Classification: Uncertain significance. Last evaluated: 2024-07-06. Review status: criteria provided, single submitter. Criteria: Invitae Variant Classification Sherloc (09022015). Collection method: clinical testing. Allele origin: germline.
Comment: This sequence change replaces valine, which is neutral and non-polar, with isoleucine, which is neutral and non-polar, at codon 617 of the KDM1A protein (p.Val617Ile). This variant is present in population databases (rs779991328, gnomAD 0.01%). This variant has not been reported in the literature in individuals affected with KDM1A-related conditions. Advanced modeling of protein sequence and biophysical properties (such as structural, functional, and spatial information, amino acid conservation, physicochemical variation, residue mobility, and thermodynamic stability) performed at Invitae indicates that this missense variant is not expected to disrupt KDM1A protein function with a negative predictive value of 80%. In summary, the available evidence is currently insufficient to determine the role of this variant in disease. Therefore, it has been classified as a Variant of Uncertain Significance.

NM_001009999.3(KDM1A):c.1849G>A (p.Val617Ile)

Gene: KDM1A (lysine demethylase 1A; plus strand). Cytogenetic location: 1p36.12.
Variant type: single nucleotide variant.
Coding change: c.1849G>A on transcript NM_001009999.3 (MANE Select); coding-DNA position 1849, G replaced by A.
Protein change: p.Val617Ile; replaces valine 617 with isoleucine.
Molecular consequence: missense variant.
Genome position (GRCh38, 1-based): chr1:23,077,342, G>A. VCF-style: chr1-23077342-G-A. GRCh37 (hg19) VCF-style: chr1-23403835-G-A.
Other names: c.1795G>A, p.Val599Ile (NM_001363654.2); c.1855G>A, p.Val619Ile (NM_001410762.1); c.1777G>A, p.Val593Ile (NM_001410763.1, NM_015013.4); c.1849G>A (NM_001009999.2); short protein forms V593I, V617I, V599I, V619I.
Identifiers: ClinVar variation 3677249 (VCV003677249.3).